The following is an entry in ClinVar:

ClinVar aggregate classification (germline): Uncertain significance (1 of 4 stars; one submission).

Conditions:
Autosomal recessive polycystic kidney disease (ARPKD). Also called: AR polycystic kidney disease. Identifiers: Orphanet 731, Orphanet 8378, MedGen C0085548, MeSH D017044, MONDO:0009889.

Submission:

Labcorp Genetics (formerly Invitae), Labcorp
Classification: Uncertain significance for Autosomal recessive polycystic kidney disease. Last evaluated: 2021-12-20. Review status: criteria provided, single submitter. Criteria: Invitae Variant Classification Sherloc (09022015). Collection method: clinical testing. Allele origin: germline.
Comment: Advanced modeling of protein sequence and biophysical properties (such as structural, functional, and spatial information, amino acid conservation, physicochemical variation, residue mobility, and thermodynamic stability) performed at Invitae indicates that this missense variant is expected to disrupt PKHD1 protein function. ClinVar contains an entry for this variant (Variation ID: 220862). This missense change has been observed in individual(s) with polycystic kidney disease (Invitae). This variant is not present in population databases (gnomAD no frequency). This sequence change replaces valine, which is neutral and non-polar, with phenylalanine, which is neutral and non-polar, at codon 355 of the PKHD1 protein (p.Val355Phe). In summary, the available evidence is currently insufficient to determine the role of this variant in disease. Therefore, it has been classified as a Variant of Uncertain Significance.

NM_138694.4(PKHD1):c.1063G>T (p.Val355Phe)

Gene: PKHD1 (PKHD1 ciliary IPT domain containing fibrocystin/polyductin; minus strand). Cytogenetic location: 6p12.2.
Variant type: single nucleotide variant.
Coding change: c.1063G>T on transcript NM_138694.4 (MANE Select); coding-DNA position 1063, G replaced by T.
Protein change: p.Val355Phe; replaces valine 355 with phenylalanine.
Molecular consequence: missense variant.
Genome position (GRCh38, 1-based): chr6:52,062,574, C>A on the plus strand (G>T on the coding strand, the complement: PKHD1 is on the minus strand). VCF-style: chr6-52062574-C-A. GRCh37 (hg19) VCF-style: chr6-51927372-C-A.
Other names: c.1063G>T, p.Val355Phe (NM_170724.3); short protein forms V355F.
Identifiers: ClinVar variation 220862 (VCV000220862.9), dbSNP rs864622679, ClinGen allele CA348594.